The following is an entry in ClinVar:

ClinVar aggregate classification (germline): Uncertain significance. Review status: criteria provided, multiple submitters, no conflicts (2 of 4 stars). 4 submissions from 4 submitters: Uncertain significance (4). Last evaluated 2025-02-10.

Conditions:
Familial thoracic aortic aneurysm and aortic dissection (TAAD). Also called: Thoracic aortic aneurysms and dissections. Identifiers: Orphanet 91387, MedGen C4707243, MONDO:0019625.
Aortic aneurysm, familial thoracic 4 (AAT4). Also called: AORTIC ANEURYSM/AORTIC DISSECTION AND PATENT DUCTUS ARTERIOSUS. Identifiers: MedGen C1851504, MONDO:0007568, OMIM 132900.

Allele frequency attached by ClinVar (database versions not stated): TOPMed below 0.00001; gnomAD 0.00001.
gnomAD v4.1: 5 of 1,613,984 alleles (0.00031%); highest among the groups gnomAD compares: Admixed American, 0.0083%; no homozygotes.

Submissions (4):

GeneDx
Classification: Uncertain significance. Last evaluated: 2025-02-10. Review status: criteria provided, single submitter. Criteria: GeneDx Variant Classification Process June 2021. Collection method: clinical testing. Allele origin: germline. Affected: yes.
Comment: Not observed at significant frequency in large population cohorts (gnomAD); In silico analysis supports that this missense variant has a deleterious effect on protein structure/function; Has not been previously published as pathogenic or benign to our knowledge

All of Us Research Program, National Institutes of Health
Classification: Uncertain significance for Familial thoracic aortic aneurysm and aortic dissection. Last evaluated: 2024-06-09. Review status: criteria provided, single submitter. Criteria: ACMG Guidelines, 2015. Collection method: clinical testing. Allele origin: germline. Inheritance: Autosomal dominant inheritance. Observed: 1 variant allele, 1 heterozygote.
Comment: This missense variant replaces aspartic acid with alanine at codon 1915 of the MYH11 protein. Computational prediction suggests that this variant may have deleterious impact on protein structure and function (internally defined REVEL score threshold >= 0.7, PMID: 27666373). To our knowledge, functional studies have not been reported for this variant. This variant has not been reported in individuals affected with MYH11-related disorders in the literature. This variant has been identified in 1/251156 chromosomes in the general population by the Genome Aggregation Database (gnomAD). The available evidence is insufficient to determine the role of this variant in disease conclusively. Therefore, this variant is classified as a Variant of Uncertain Significance.

This study involves interpretation of variants in research participants for the purpose of population health screening. Participant phenotype was not available at the time of variant classification. Additional details can be found in publication PMID: 35346344, PMCID: PMC8962531

Labcorp Genetics (formerly Invitae), Labcorp
Classification: Uncertain significance for Aortic aneurysm, familial thoracic 4. Last evaluated: 2023-04-06. Review status: criteria provided, single submitter. Criteria: Invitae Variant Classification Sherloc (09022015). Collection method: clinical testing. Allele origin: germline.
Comment: This sequence change replaces aspartic acid, which is acidic and polar, with alanine, which is neutral and non-polar, at codon 1915 of the MYH11 protein (p.Asp1915Ala). This variant is not present in population databases (gnomAD no frequency). This variant has not been reported in the literature in individuals affected with MYH11-related conditions. ClinVar contains an entry for this variant (Variation ID: 2442814). Advanced modeling of protein sequence and biophysical properties (such as structural, functional, and spatial information, amino acid conservation, physicochemical variation, residue mobility, and thermodynamic stability) performed at Invitae indicates that this missense variant is not expected to disrupt MYH11 protein function. In summary, the available evidence is currently insufficient to determine the role of this variant in disease. Therefore, it has been classified as a Variant of Uncertain Significance.

CHEO Genetics Diagnostic Laboratory, Children's Hospital of Eastern Ontario
Classification: Uncertain significance for Familial thoracic aortic aneurysm and aortic dissection. Last evaluated: 2022-03-07. Review status: criteria provided, single submitter. Criteria: ACMG Guidelines, 2015. Collection method: clinical testing. Allele origin: germline.

NM_002474.3(MYH11):c.5723A>C (p.Asp1908Ala)

Genes: NDE1 (nudE neurodevelopment protein 1; plus strand), MYH11 (myosin heavy chain 11; minus strand). Cytogenetic location: 16p13.11.
Variant type: single nucleotide variant.
Coding change: c.5723A>C on transcript NM_002474.3 (MANE Select); coding-DNA position 5723, A replaced by C.
Protein change: p.Asp1908Ala; replaces aspartic acid 1908 with alanine.
Molecular consequence: missense variant. On other transcripts: intron variant (2).
Genome position (GRCh38, 1-based): chr16:15,714,972, T>G on the plus strand (A>C on the coding strand, the complement: MYH11 is on the minus strand). VCF-style: chr16-15714972-T-G. GRCh37 (hg19) VCF-style: chr16-15808829-T-G.
Other names: c.5744A>C, p.Asp1915Ala (NM_001040113.2, NM_001040114.2); c.5723A>C, p.Asp1908Ala (NM_022844.3); c.948-9219T>G (NM_001143979.2, NM_017668.3); short protein forms D1908A, D1915A.
Identifiers: ClinVar variation 2442814 (VCV002442814.7), dbSNP rs1178911566, ClinGen allele CA394846601.
Genomic context (GRCh38, chr16:15,714,972, plus strand): 5'-AGCTTGCTCTTGAGTGCGTTCACCTCGCGGCCCATGGCCTCGTTGCTCTCCGTGGCCTCA[T>G]CCAGCTCCCGCTGCAGCTTCCTGCGGTTGGCGTTGATGCGCTGGGACTCCTCCTCTGCCT-3'
Protein context (NP_002465.1, residues 1898-1918): ANRRKLQREL[Asp1908Ala]EATESNEAMG